The following is an entry in ClinVar:

ClinVar aggregate classification (germline): Uncertain significance (1 of 4 stars; one submission).

Submission:

Labcorp Genetics (formerly Invitae), Labcorp
Classification: Uncertain significance. Last evaluated: 2024-01-24. Review status: criteria provided, single submitter. Criteria: Invitae Variant Classification Sherloc (09022015). Collection method: clinical testing. Allele origin: germline.
Comment: This variant is a gross deletion of the genomic region encompassing exon(s) 6 of the FLVCR1 gene. This variant would be expected to be in-frame, preserving the integrity of the reading frame. This variant has not been reported in the literature in individuals affected with FLVCR1-related conditions. In summary, the available evidence is currently insufficient to determine the role of this variant in disease. Therefore, it has been classified as a Variant of Uncertain Significance.

NC_000001.10:g.(?_213061213)_(213061363_?)del

Gene: FLVCR1 (FLVCR choline and heme transporter 1; plus strand). Cytogenetic location: 1q32.3.
Variant type: Deletion.
Identifiers: ClinVar variation 1513302 (VCV001513302.4).